The following is an entry in ClinVar:

ClinVar aggregate classification (germline): Pathogenic/Likely pathogenic. Review status: criteria provided, multiple submitters, no conflicts (2 of 4 stars). 5 submissions from 5 submitters: Pathogenic (3); Likely pathogenic (2). Last evaluated 2025-03-11.

Conditions:
Parathyroid carcinoma (PRTC). Also called: Parathyroid gland carcinoma; CDC73-Related Parathyroid Carcinoma. Identifiers: Orphanet 143, MedGen C0687150, MONDO:0012004, OMIM 608266, HP:0006780.
Hereditary cancer-predisposing syndrome. Also called: Hereditary neoplastic syndrome; Neoplastic Syndromes, Hereditary; Tumor predisposition; Hereditary Cancer Syndrome. Identifiers: Orphanet 140162, MedGen C0027672, MeSH D009386, MONDO:0015356.
Hyperparathyroidism 2 with jaw tumors. Also called: Hyperparathyroidism-Jaw Tumor Syndrome; Hyperparathyroidism 2; HYPERPARATHYROIDISM, FAMILIAL PRIMARY, WITH MULTIPLE OSSIFYING JAW FIBROMAS; HYPERPARATHYROIDISM-JAW TUMOR SYNDROME, HEREDITARY. Identifiers: Orphanet 99880, MedGen C1704981, MONDO:0007768, OMIM 145001.
Hyperparathyroidism 1 (HRPT1). Also called: HYPERPARATHYROIDISM, FAMILIAL ISOLATED PRIMARY. Identifiers: Orphanet 99879, MedGen C1840402, MONDO:0007767, OMIM 145000.

Submissions (5):

Labcorp Genetics (formerly Invitae), Labcorp
Classification: Pathogenic for Parathyroid carcinoma. Last evaluated: 2025-03-11. Review status: criteria provided, single submitter. Criteria: Invitae Variant Classification Sherloc (09022015). Collection method: clinical testing. Allele origin: germline.
Comment: This sequence change creates a premature translational stop signal (p.Arg268*) in the CDC73 gene. It is expected to result in an absent or disrupted protein product. Loss-of-function variants in CDC73 are known to be pathogenic (PMID: 12434154). This variant is not present in population databases (gnomAD no frequency). This variant has not been reported in the literature in individuals affected with CDC73-related conditions. ClinVar contains an entry for this variant (Variation ID: 1194275). For these reasons, this variant has been classified as Pathogenic.

Ambry Genetics
Classification: Pathogenic for Hereditary cancer-predisposing syndrome. Last evaluated: 2024-10-18. Review status: criteria provided, single submitter. Criteria: Ambry Variant Classification Scheme 2023. Collection method: clinical testing. Allele origin: germline.
Comment: The p.R268* pathogenic mutation (also known as c.802C>T), located in coding exon 8 of the CDC73 gene, results from a C to T substitution at nucleotide position 802. This changes the amino acid from an arginine to a stop codon within coding exon 8. This variant is considered to be rare based on population cohorts in the Genome Aggregation Database (gnomAD). This alteration is expected to result in loss of function by premature protein truncation or nonsense-mediated mRNA decay. As such, this alteration is interpreted as a disease-causing mutation.

Fulgent Genetics
Classification: Likely pathogenic for Hyperparathyroidism 1; Hyperparathyroidism 2 with jaw tumors; Parathyroid carcinoma. Last evaluated: 2024-03-05. Review status: criteria provided, single submitter. Criteria: ACMG Guidelines, 2015. Collection method: clinical testing. Allele origin: germline.

Baylor Genetics
Classification: Likely pathogenic for Hyperparathyroidism 1. Last evaluated: 2023-05-26. Review status: criteria provided, single submitter. Criteria: ACMG Guidelines, 2015. Collection method: clinical testing. Allele origin: unknown.

GeneDx
Classification: Pathogenic. Last evaluated: 2021-04-15. Review status: criteria provided, single submitter. Criteria: GeneDx Variant Classification Process June 2021. Collection method: clinical testing. Allele origin: germline. Affected: yes.
Comment: Nonsense variant predicted to result in protein truncation or nonsense mediated decay in a gene for which loss-of-function is a known mechanism of disease; Not observed in large population cohorts (Lek et al., 2016); Has not been previously published as pathogenic or benign to our knowledge

Literature cited by the submitters: PubMed 12434154 (cited by Labcorp Genetics (formerly Invitae), Labcorp).

NM_024529.5(CDC73):c.802C>T (p.Arg268Ter)

Gene: CDC73 (cell division cycle 73; plus strand). Cytogenetic location: 1q31.2.
Variant type: single nucleotide variant.
Coding change: c.802C>T on transcript NM_024529.5 (MANE Select); coding-DNA position 802, C replaced by T.
Protein change: p.Arg268Ter; replaces arginine 268 with a stop codon.
Molecular consequence: nonsense.
Genome position (GRCh38, 1-based): chr1:193,147,939, C>T. VCF-style: chr1-193147939-C-T. GRCh37 (hg19) VCF-style: chr1-193117069-C-T.
Other names: short protein forms R268*.
Identifiers: ClinVar variation 1194275 (VCV001194275.13), dbSNP rs2103130589, ClinGen allele CA343964144.